The following is an entry in ClinVar:

ClinVar aggregate classification (germline): Uncertain significance (1 of 4 stars; one submission).

Conditions:
Familial hemiplegic migraine. Identifiers: MedGen C0338484, MONDO:0000700.

Allele frequency attached by ClinVar (database versions not stated): gnomAD exomes below 0.00001; TOPMed 0.00001.
gnomAD v4.1: 1 of 1,606,166 alleles (0.000062%); highest among the groups gnomAD compares: African/African-American, 0.0013%; no homozygotes.

Submission:

Labcorp Genetics (formerly Invitae), Labcorp
Classification: Uncertain significance for Familial hemiplegic migraine. Last evaluated: 2025-10-27. Review status: criteria provided, single submitter. Criteria: Invitae Variant Classification Sherloc (09022015). Collection method: clinical testing. Allele origin: germline.
Comment: This sequence change replaces lysine, which is basic and polar, with arginine, which is basic and polar, at codon 411 of the ATP1A2 protein (p.Lys411Arg). This variant is not present in population databases (gnomAD no frequency). This variant has not been reported in the literature in individuals affected with ATP1A2-related conditions. ClinVar contains an entry for this variant (Variation ID: 2078796). Invitae Evidence Modeling of protein sequence and biophysical properties (such as structural, functional, and spatial information, amino acid conservation, physicochemical variation, residue mobility, and thermodynamic stability) indicates that this missense variant is not expected to disrupt ATP1A2 protein function with a negative predictive value of 80%. In summary, the available evidence is currently insufficient to determine the role of this variant in disease. Therefore, it has been classified as a Variant of Uncertain Significance.

NM_000702.4(ATP1A2):c.1232A>G (p.Lys411Arg)

Gene: ATP1A2 (ATPase Na+/K+ transporting subunit alpha 2; plus strand). Cytogenetic location: 1q23.2.
Variant type: single nucleotide variant.
Coding change: c.1232A>G on transcript NM_000702.4 (MANE Select); coding-DNA position 1232, A replaced by G.
Protein change: p.Lys411Arg; replaces lysine 411 with arginine.
Molecular consequence: missense variant.
Genome position (GRCh38, 1-based): chr1:160,128,995, A>G. VCF-style: chr1-160128995-A-G. GRCh37 (hg19) VCF-style: chr1-160098785-A-G.
Other names: short protein forms K411R.
Identifiers: ClinVar variation 2078796 (VCV002078796.4), dbSNP rs1408232977, ClinGen allele CA343240137.